The following is an entry in ClinVar:

NM_000179.3(MSH6):c.3702A>T (p.Glu1234Asp)

Gene: MSH6 (mutS homolog 6; plus strand). Cytogenetic location: 2p16.3.
Variant type: single nucleotide variant.
Coding change: c.3702A>T on transcript NM_000179.3 (MANE Select); coding-DNA position 3702, A replaced by T.
Protein change: p.Glu1234Asp; replaces glutamic acid 1234 with aspartic acid.
Molecular consequence: missense variant.
Genome position (GRCh38, 1-based): chr2:47,806,259, A>T. VCF-style: chr2-47806259-A-T. GRCh37 (hg19) VCF-style: chr2-48033398-A-T.
Other names: c.3312A>T, p.Glu1104Asp (NM_001281492.2); c.2796A>T, p.Glu932Asp (NM_001281493.2, NM_001281494.2, NM_001406811.1 and 6 more transcripts); c.3798A>T, p.Glu1266Asp (NM_001406795.1, NM_001406802.1); c.3177A>T, p.Glu1059Asp (NM_001406806.1, NM_001406807.1, NM_001406799.1); c.3702A>T, p.Glu1234Asp (NM_001406808.1, NM_001406809.1, NM_001406796.1 and 1 more transcripts); c.3708A>T, p.Glu1236Asp (NM_001406813.1); c.3534A>T, p.Glu1178Asp (NM_001406826.1); c.3405A>T, p.Glu1135Asp (NM_001406827.1, NM_001406828.1, NM_001406830.1 and 10 more transcripts); and 7 more; short protein forms E1059D, E1104D, E1176D, E1208D, E1135D, E1266D, E1234D, E1236D.
Identifiers: ClinVar variation 2129084 (VCV002129084.4), dbSNP rs2104540243, ClinGen allele CA346760983.

ClinVar aggregate classification (germline): Uncertain significance (1 of 4 stars; one submission).

Conditions:
Hereditary nonpolyposis colorectal neoplasms. Identifiers: MedGen C0009405, MeSH D003123.

Submission:

Labcorp Genetics (formerly Invitae), Labcorp
Classification: Uncertain significance for Hereditary nonpolyposis colorectal neoplasms. Last evaluated: 2024-10-15. Review status: criteria provided, single submitter. Criteria: Invitae Variant Classification Sherloc (09022015). Collection method: clinical testing. Allele origin: germline.
Comment: This sequence change replaces glutamic acid, which is acidic and polar, with aspartic acid, which is acidic and polar, at codon 1234 of the MSH6 protein (p.Glu1234Asp). This variant is not present in population databases (gnomAD no frequency). This variant has not been reported in the literature in individuals affected with MSH6-related conditions. ClinVar contains an entry for this variant (Variation ID: 2129084). Invitae Evidence Modeling of protein sequence and biophysical properties (such as structural, functional, and spatial information, amino acid conservation, physicochemical variation, residue mobility, and thermodynamic stability) indicates that this missense variant is not expected to disrupt MSH6 protein function with a negative predictive value of 95%. In summary, the available evidence is currently insufficient to determine the role of this variant in disease. Therefore, it has been classified as a Variant of Uncertain Significance.